The following is an entry in ClinVar:

NM_000460.4(THPO):c.914C>T (p.Thr305Met)

Gene: THPO (thrombopoietin; minus strand). Cytogenetic location: 3q27.1.
Variant type: single nucleotide variant.
Coding change: c.914C>T on transcript NM_000460.4 (MANE Select); coding-DNA position 914, C replaced by T.
Protein change: p.Thr305Met; replaces threonine 305 with methionine.
Molecular consequence: missense variant. On other transcripts: synonymous variant (4).
Genome position (GRCh38, 1-based): chr3:184,372,661, G>A on the plus strand (C>T on the coding strand, the complement: THPO is on the minus strand). VCF-style: chr3-184372661-G-A. GRCh37 (hg19) VCF-style: chr3-184090449-G-A.
Other names: c.902C>T, p.Thr301Met (NM_001177597.2, NM_001290022.1); c.897C>T, p.Tyr299= (NM_001177598.2, NM_001290026.1); c.798C>T, p.Tyr266= (NM_001289997.1, NM_001290027.1); c.914C>T, p.Thr305Met (NM_001289998.1, NM_001290028.1); c.1334C>T, p.Thr445Met (NM_001290003.1); short protein forms T445M, T305M, T301M.
Identifiers: ClinVar variation 4706458 (VCV004706458.1).

ClinVar aggregate classification (germline): Uncertain significance (1 of 4 stars; one submission).

gnomAD v4.1: 28 of 1,613,088 alleles (0.0017%); highest among the groups gnomAD compares: African/African-American, 0.013%; no homozygotes.

Submission:

Labcorp Genetics (formerly Invitae), Labcorp
Classification: Uncertain significance. Last evaluated: 2025-05-01. Review status: criteria provided, single submitter. Criteria: Invitae Variant Classification Sherloc (09022015). Collection method: clinical testing. Allele origin: germline.
Comment: This sequence change replaces threonine, which is neutral and polar, with methionine, which is neutral and non-polar, at codon 305 of the THPO protein (p.Thr305Met). This variant is present in population databases (rs148499454, gnomAD 0.02%). This variant has not been reported in the literature in individuals affected with THPO-related conditions. Invitae Evidence Modeling of protein sequence and biophysical properties (such as structural, functional, and spatial information, amino acid conservation, physicochemical variation, residue mobility, and thermodynamic stability) indicates that this missense variant is not expected to disrupt THPO protein function with a negative predictive value of 80%. In summary, the available evidence is currently insufficient to determine the role of this variant in disease. Therefore, it has been classified as a Variant of Uncertain Significance.